The following is an entry in ClinVar:

NM_000155.4(GALT):c.82+2T>G

Gene: GALT (galactose-1-phosphate uridylyltransferase; plus strand). Cytogenetic location: 9p13.3.
Variant type: single nucleotide variant.
Coding change: c.82+2T>G on transcript NM_000155.4 (MANE Select); the canonical splice donor site of the intron after coding-DNA position 82, T replaced by G.
Molecular consequence: splice donor variant.
Genome position (GRCh38, 1-based): chr9:34,646,788, T>G. VCF-style: chr9-34646788-T-G. GRCh37 (hg19) VCF-style: chr9-34646785-T-G.
Other names: c.-121+2T>G (NM_001258332.2).
Identifiers: ClinVar variation 2030188 (VCV002030188.4), dbSNP rs2492858501, ClinGen allele CA373278420.

ClinVar aggregate classification (germline): Pathogenic (1 of 4 stars; one submission).

Conditions:
Deficiency of UDPglucose-hexose-1-phosphate uridylyltransferase. Also called: GALT deficiency; Galactosemia, classic; GALACTOSEMIA I; Transferase Deficiency Galactosemia; GALACTOSE-1-PHOSPHATE URIDYLYLTRANSFERASE DEFICIENCY. Identifiers: Orphanet 352, Orphanet 79239, MedGen C0268151, MONDO:0009258, OMIM 230400.

Submission:

Labcorp Genetics (formerly Invitae), Labcorp
Classification: Pathogenic for Deficiency of UDPglucose-hexose-1-phosphate uridylyltransferase. Last evaluated: 2022-09-13. Review status: criteria provided, single submitter. Criteria: Invitae Variant Classification Sherloc (09022015). Collection method: clinical testing. Allele origin: germline.
Comment: This sequence change affects a donor splice site in intron 1 of the GALT gene. It is expected to disrupt RNA splicing. Variants that disrupt the donor or acceptor splice site typically lead to a loss of protein function (PMID: 16199547), and loss-of-function variants in GALT are known to be pathogenic (PMID: 22944367). This variant is not present in population databases (gnomAD no frequency). Disruption of this splice site has been observed in individual(s) with galactosemia (PMID: 22944367). Algorithms developed to predict the effect of sequence changes on RNA splicing suggest that this variant may disrupt the consensus splice site. For these reasons, this variant has been classified as Pathogenic.

Literature cited by the submitters: PubMed 16199547; PubMed 22944367.